The following is an entry in ClinVar:

ClinVar aggregate classification (germline): Uncertain significance (1 of 4 stars; one submission).

Allele frequency attached by ClinVar (database versions not stated): gnomAD exomes below 0.00001.
gnomAD v4.1: 2 of 1,607,018 alleles (0.00012%); highest among the groups gnomAD compares: Admixed American, 0.0017%; no homozygotes.

Submission:

Labcorp Genetics (formerly Invitae), Labcorp
Classification: Uncertain significance. Last evaluated: 2022-05-04. Review status: criteria provided, single submitter. Criteria: Invitae Variant Classification Sherloc (09022015). Collection method: clinical testing. Allele origin: germline.
Comment: This variant is present in population databases (no rsID available, gnomAD 0.003%). This sequence change replaces methionine, which is neutral and non-polar, with valine, which is neutral and non-polar, at codon 478 of the BCL11B protein (p.Met478Val). This variant has not been reported in the literature in individuals affected with BCL11B-related conditions. In summary, the available evidence is currently insufficient to determine the role of this variant in disease. Therefore, it has been classified as a Variant of Uncertain Significance. Algorithms developed to predict the effect of missense changes on protein structure and function are either unavailable or do not agree on the potential impact of this missense change (SIFT: "Deleterious"; PolyPhen-2: "Benign"; Align-GVGD: "Class C0").

NM_138576.4(BCL11B):c.1432A>G (p.Met478Val)

Gene: BCL11B (BCL11 transcription factor B; minus strand). Cytogenetic location: 14q32.2.
Variant type: single nucleotide variant.
Coding change: c.1432A>G on transcript NM_138576.4 (MANE Select); coding-DNA position 1432, A replaced by G.
Protein change: p.Met478Val; replaces methionine 478 with valine.
Molecular consequence: missense variant.
Genome position (GRCh38, 1-based): chr14:99,175,404, T>C on the plus strand (A>G on the coding strand, the complement: BCL11B is on the minus strand). VCF-style: chr14-99175404-T-C. GRCh37 (hg19) VCF-style: chr14-99641741-T-C.
Other names: c.1429A>G, p.Met477Val (NM_001282237.2); c.1216A>G, p.Met406Val (NM_001282238.2); c.1219A>G, p.Met407Val (NM_022898.3); short protein forms M407V, M477V, M406V, M478V.
Identifiers: ClinVar variation 2119640 (VCV002119640.4), dbSNP rs888188395, ClinGen allele CA390935381.